The following is an entry in ClinVar:

NM_001102564.3(IFT43):c.369-18G>A

Gene: IFT43 (intraflagellar transport 43; plus strand). Cytogenetic location: 14q24.3.
Variant type: single nucleotide variant.
Coding change: c.369-18G>A on transcript NM_001102564.3 (MANE Select); 18 bases into the intron before coding-DNA position 369, G replaced by A.
Molecular consequence: intron variant.
Genome position (GRCh38, 1-based): chr14:76,082,599, G>A. VCF-style: chr14-76082599-G-A. GRCh37 (hg19) VCF-style: chr14-76548942-G-A.
Other names: c.384-18G>A (NM_052873.3).
Identifiers: ClinVar variation 1105545 (VCV001105545.11), dbSNP rs199590828, ClinGen allele CA7280871.

ClinVar aggregate classification (germline): Likely benign. Review status: criteria provided, multiple submitters, no conflicts (2 of 4 stars). 3 submissions from 3 submitters: Likely benign (3). Last evaluated 2026-08-01.

Conditions:
Short-rib thoracic dysplasia 18 with polydactyly. Identifiers: MedGen C4693420, MONDO:0036483, OMIM 617866.
Retinitis pigmentosa 81 (RP81). Identifiers: MedGen C4693443, MONDO:0036482, OMIM 617871.
Cranioectodermal dysplasia 3 (CED3). Identifiers: Orphanet 1515, MedGen C3279807, MONDO:0013573, OMIM 614099.

Allele frequency attached by ClinVar (database versions not stated): 1000 Genomes Project 0.00020; ExAC 0.00020; gnomAD exomes 0.00022; ESP Exome Variant Server 0.00023; 1000 Genomes Project 30x 0.00031; TOPMed 0.00038; gnomAD 0.00040 and 0.00041.
gnomAD v4.1: 758 of 1,614,016 alleles (0.047%); highest among the groups gnomAD compares: Admixed American, 0.078%; no homozygotes.

Submissions (3):

CeGaT Center for Human Genetics Tuebingen
Classification: Likely benign. Last evaluated: 2026-08-01. Review status: criteria provided, single submitter. Criteria: CeGaT Center For Human Genetics Tuebingen Variant Classification Criteria Version 2. Collection method: clinical testing. Allele origin: germline. Affected: yes. Observed: 1 variant allele.
Comment: IFT43: BP4, BP7

Labcorp Genetics (formerly Invitae), Labcorp
Classification: Likely benign. Last evaluated: 2025-11-14. Review status: criteria provided, single submitter. Criteria: Invitae Variant Classification Sherloc (09022015). Collection method: clinical testing. Allele origin: germline.

Fulgent Genetics
Classification: Likely benign for Cranioectodermal dysplasia 3; Short-rib thoracic dysplasia 18 with polydactyly; Retinitis pigmentosa 81. Last evaluated: 2021-10-29. Review status: criteria provided, single submitter. Criteria: ACMG Guidelines, 2015. Collection method: clinical testing. Allele origin: unknown.